The following is an entry in ClinVar:

ClinVar aggregate classification (germline): Conflicting classifications of pathogenicity. Review status: criteria provided, conflicting classifications (1 of 4 stars). 3 submissions from 3 submitters: Uncertain significance (2); Likely benign (1). Last evaluated 2026-04-28.

Conditions:
PHIP-related disorder. Also called: PHIP-related disorders; PHIP-related condition.
Inborn genetic diseases. Identifiers: MedGen C0950123, MeSH D030342.

Allele frequency attached by ClinVar (database versions not stated): gnomAD exomes 0.00001; ExAC 0.00002; gnomAD 0.00006; TOPMed 0.00006.
gnomAD v4.1: 18 of 1,609,022 alleles (0.0011%); highest among the groups gnomAD compares: African/African-American, 0.0094%; no homozygotes.

Submissions (3):

PreventionGenetics, part of Exact Sciences
Classification: Uncertain significance for PHIP-related condition. Last evaluated: 2026-04-28. Review status: criteria provided, single submitter. Criteria: ACMG Guidelines, 2015. Collection method: clinical testing. Allele origin: germline.
Comment: The PHIP c.2005C>T variant is predicted to result in the amino acid substitution p.Arg669Cys. To our knowledge, this variant has not been reported in the literature. This variant is reported in 0.012% of alleles in individuals of African descent in gnomAD. At this time, the clinical significance of this variant is uncertain due to the absence of conclusive functional and genetic evidence.

Labcorp Genetics (formerly Invitae), Labcorp
Classification: Likely benign. Last evaluated: 2025-07-27. Review status: criteria provided, single submitter. Criteria: Invitae Variant Classification Sherloc (09022015). Collection method: clinical testing. Allele origin: germline.

Ambry Genetics
Classification: Uncertain significance for Inborn genetic diseases. Last evaluated: 2025-07-03. Review status: criteria provided, single submitter. Criteria: Ambry Variant Classification Scheme 2023. Collection method: clinical testing. Allele origin: germline.

NM_017934.7(PHIP):c.2005C>T (p.Arg669Cys)

Gene: PHIP (PHIP subunit of CUL4-Ring ligase complex; minus strand). Cytogenetic location: 6q14.1.
Variant type: single nucleotide variant.
Coding change: c.2005C>T on transcript NM_017934.7 (MANE Select); coding-DNA position 2005, C replaced by T.
Protein change: p.Arg669Cys; replaces arginine 669 with cysteine.
Molecular consequence: missense variant.
Genome position (GRCh38, 1-based): chr6:78,998,266, G>A on the plus strand (C>T on the coding strand, the complement: PHIP is on the minus strand). VCF-style: chr6-78998266-G-A. GRCh37 (hg19) VCF-style: chr6-79707983-G-A.
Other names: c.2005C>T (NM_017934.6); short protein forms R669C.
Identifiers: ClinVar variation 2213451 (VCV002213451.5), dbSNP rs752534420, ClinGen allele CA3900065.